The following is an entry in ClinVar:

ClinVar aggregate classification (germline): Benign/Likely benign. Review status: criteria provided, multiple submitters, no conflicts (2 of 4 stars). 10 submissions from 10 submitters: Benign (4); Likely benign (3). 3 of the submissions do not count toward it. Last evaluated 2024-11-27.

Conditions:
Acrocallosal syndrome (ACLS). Also called: HALLUX DUPLICATION, POSTAXIAL POLYDACTYLY, AND ABSENCE OF CORPUS CALLOSUM; Schinzel syndrome 1; Absence of corpus callosum with unusual facial appearance, mental deficiency, duplication of the halluces and polydactyly. Identifiers: Orphanet 36, MedGen C0796147, MONDO:0008708, OMIM 200990.

Allele frequency attached by ClinVar (database versions not stated): 1000 Genomes Project 30x 0.03904; TOPMed 0.03968; gnomAD 0.03972 and 0.04006; 1000 Genomes Project 0.03994; gnomAD exomes 0.04829 and 0.05113; ExAC 0.06173.
gnomAD v4.1: 75,071 of 1,507,096 alleles (5%); highest among the groups gnomAD compares: East Asian, 8.9%; 2,058 homozygotes.

Submissions (10):

Blueprint Genetics
Classification: Likely benign. Last evaluated: 2024-11-27. Review status: criteria provided, single submitter. Criteria: ACMG Guidelines, 2015. Collection method: clinical testing. Allele origin: germline.

Mayo Clinic Laboratories, Mayo Clinic
Classification: Benign. Last evaluated: 2022-03-09. Review status: criteria provided, single submitter. Criteria: ACMG Guidelines, 2015. Collection method: clinical testing. Allele origin: germline. Observed: 7 variant alleles.

Illumina Laboratory Services, Illumina
Classification: Likely benign for Acrocallosal syndrome. Last evaluated: 2017-04-27. Review status: criteria provided, single submitter. Criteria: ICSL Variant Classification Criteria 13 December 2019. Collection method: clinical testing. Allele origin: germline.
Comment: This variant was observed as part of a predisposition screen in an ostensibly healthy population. A literature search was performed for the gene, cDNA change, and amino acid change (where applicable). No publications were found based on this search. Allele frequency data from public databases allowed determination this variant is unlikely to cause disease. Therefore, this variant is classified as likely benign.

Eurofins Ntd Llc (ga)
Classification: Benign. Last evaluated: 2014-04-30. Review status: criteria provided, single submitter. Criteria: EGL Classification Definitions 2015. Collection method: clinical testing. Allele origin: germline. Observed: 1 variant allele, 1 heterozygote.

GeneDx
Classification: Benign. Last evaluated: 2014-03-07. Review status: criteria provided, single submitter. Criteria: GeneDx Variant Classification (06012015). Collection method: clinical testing. Allele origin: germline. Affected: yes.
Comment: This variant is considered likely benign or benign based on one or more of the following criteria: it is a conservative change, it occurs at a poorly conserved position in the protein, it is predicted to be benign by multiple in silico algorithms, and/or has population frequency not consistent with disease.

Breakthrough Genomics
Classification: Likely benign. Review status: criteria provided, single submitter. Criteria: ACMG Guidelines, 2015. Collection method: not provided. Allele origin: germline. Inheritance: Autosomal recessive inheritance. Affected: yes.

PreventionGenetics, part of Exact Sciences
Classification: Benign. Review status: criteria provided, single submitter. Criteria: ACMG Guidelines, 2015. Collection method: clinical testing. Allele origin: germline.

Clinical Genetics DNA and cytogenetics Diagnostics Lab, Erasmus MC, Erasmus Medical Center
Classification: Benign. Review status: no assertion criteria provided. Collection method: clinical testing. Allele origin: germline. Affected: yes. Study: VKGL Data-share Consensus. Not counted in ClinVar's aggregate classification.

Clinical Genetics, Academic Medical Center
Classification: Benign. Review status: no assertion criteria provided. Collection method: clinical testing. Allele origin: germline. Affected: yes. Study: VKGL Data-share Consensus. Not counted in ClinVar's aggregate classification.

Joint Genome Diagnostic Labs from Nijmegen and Maastricht, Radboudumc and MUMC+
Classification: Benign. Review status: no assertion criteria provided. Collection method: clinical testing. Allele origin: germline. Affected: yes. Study: VKGL Data-share Consensus. Not counted in ClinVar's aggregate classification.

NM_198525.3(KIF7):c.-5T>G

Gene: KIF7 (kinesin family member 7; minus strand). Cytogenetic location: 15q26.1.
Variant type: single nucleotide variant.
Coding change: c.-5T>G on transcript NM_198525.3 (MANE Select); 5 bases upstream of the start codon, T replaced by G.
Molecular consequence: 5 prime UTR variant.
Genome position (GRCh38, 1-based): chr15:89,652,935, A>C on the plus strand (T>G on the coding strand, the complement: KIF7 is on the minus strand). VCF-style: chr15-89652935-A-C. GRCh37 (hg19) VCF-style: chr15-90196166-A-C.
Identifiers: ClinVar variation 138059 (VCV000138059.18), dbSNP rs62021460, ClinGen allele CA020428.